The following is an entry in ClinVar:

ClinVar aggregate classification (germline): Benign (1 of 4 stars; one submission).

Allele frequency attached by ClinVar (database versions not stated): TOPMed 0.39711; gnomAD 0.39986 and 0.40033; 1000 Genomes Project 30x 0.42817; 1000 Genomes Project 0.42851.
gnomAD v4.1: 60,912 of 151,868 alleles (40%); highest among the groups gnomAD compares: African/African-American, 47%; 12,502 homozygotes.

Submission:

GeneDx
Classification: Benign. Last evaluated: 2018-06-14. Review status: criteria provided, single submitter. Criteria: GeneDx Variant Classification (06012015). Collection method: clinical testing. Allele origin: germline. Affected: yes.
Comment: This variant is considered likely benign or benign based on one or more of the following criteria: it is a conservative change, it occurs at a poorly conserved position in the protein, it is predicted to be benign by multiple in silico algorithms, and/or has population frequency not consistent with disease.

NM_001377.3(DYNC2H1):c.10042+263C>T

Gene: DYNC2H1 (dynein cytoplasmic 2 heavy chain 1; plus strand). Cytogenetic location: 11q22.3.
Variant type: single nucleotide variant.
Coding change: c.10042+263C>T on transcript NM_001377.3 (MANE Select); 263 bases into the intron after coding-DNA position 10042, C replaced by T.
Molecular consequence: intron variant.
Genome position (GRCh38, 1-based): chr11:103,245,637, C>T. VCF-style: chr11-103245637-C-T. GRCh37 (hg19) VCF-style: chr11-103116366-C-T.
Other names: c.10063+263C>T (NM_001080463.2).
Identifiers: ClinVar variation 667751 (VCV000667751.1), dbSNP rs665317, ClinGen allele CA13427661.